The following is an entry in ClinVar:

NM_001048174.2(MUTYH):c.1216A>G (p.Thr406Ala)

Gene: MUTYH (mutY DNA glycosylase; minus strand). Cytogenetic location: 1p34.1.
Variant type: single nucleotide variant.
Coding change: c.1216A>G on transcript NM_001048174.2 (MANE Select); coding-DNA position 1216, A replaced by G.
Protein change: p.Thr406Ala; replaces threonine 406 with alanine.
Molecular consequence: missense variant. On other transcripts: non-coding transcript variant (7).
Genome position (GRCh38, 1-based): chr1:45,331,443, T>C on the plus strand (A>G on the coding strand, the complement: MUTYH is on the minus strand). VCF-style: chr1-45331443-T-C. GRCh37 (hg19) VCF-style: chr1-45797115-T-C.
Other names: c.940A>G, p.Thr314Ala (NM_001407091.1, NM_001293192.2, NM_001293196.2); c.1291A>G, p.Thr431Ala (NM_012222.3); c.871A>G, p.Thr291Ala (NM_001350651.2, NM_001350650.2, NM_001407082.1); c.1249A>G, p.Thr417Ala (NM_001407069.1, NM_001407077.1, NM_001293191.2); c.1216A>G, p.Thr406Ala (NM_001407070.1, NM_001407072.1, NM_001407073.1 and 6 more transcripts); c.1219A>G, p.Thr407Ala (NM_001407071.1, NM_001407078.1, NM_001048172.2 and 1 more transcripts); c.1132A>G, p.Thr378Ala (NM_001407075.1); c.1177A>G, p.Thr393Ala (NM_001407079.1); and 5 more; short protein forms T392A, T393A, T406A, T417A, T421A, T291A, T314A, T378A.
Identifiers: ClinVar variation 4113163 (VCV004113163.1).
Genomic context (GRCh38, chr1:45,331,443, plus strand): 5'-AAAGCCAACATCCTTGGCTATTCCGCTGCTCACTTACCTCCCCAAGGTGCCGGAGGTGCG[T>C]GGCTGGGAGGGGCCCAGCCCAACGCTGTAGTTCCTGCAGCAGGGCCTTGCGCTGAAGCTG-3'
Protein context (NP_001041639.1, residues 396-416): LQRWAGPLPA[Thr406Ala]HLRHLGEVVH

ClinVar aggregate classification (germline): Uncertain significance (1 of 4 stars; one submission).

Conditions:
Hereditary cancer-predisposing syndrome. Also called: Tumor predisposition; Neoplastic Syndromes, Hereditary; Hereditary neoplastic syndrome; Hereditary Cancer Syndrome. Identifiers: Orphanet 140162, MedGen C0027672, MeSH D009386, MONDO:0015356.

Submission:

Ambry Genetics
Classification: Uncertain significance for Hereditary cancer-predisposing syndrome. Last evaluated: 2025-08-27. Review status: criteria provided, single submitter. Criteria: Ambry Variant Classification Scheme 2023. Collection method: clinical testing. Allele origin: germline.
Comment: The p.T434A variant (also known as c.1300A>G), located in coding exon 13 of the MUTYH gene, results from an A to G substitution at nucleotide position 1300. The threonine at codon 434 is replaced by alanine, an amino acid with similar properties. This amino acid position is conserved. In addition, this alteration is predicted to be tolerated by in silico analysis. Based on the available evidence, the clinical significance of this variant remains unclear.